The following is an entry in ClinVar:

NM_016474.5(CCDC174):c.423C>T (p.Asp141=)

Gene: CCDC174 (coiled-coil domain containing 174; plus strand). Cytogenetic location: 3p25.1.
Variant type: single nucleotide variant.
Coding change: c.423C>T on transcript NM_016474.5 (MANE Select); coding-DNA position 423, C replaced by T.
Protein change: p.Asp141=; no amino-acid change (aspartic acid 141 retained).
Molecular consequence: synonymous variant. On other transcripts: non-coding transcript variant (1).
Genome position (GRCh38, 1-based): chr3:14,661,645, C>T. VCF-style: chr3-14661645-C-T. GRCh37 (hg19) VCF-style: chr3-14703152-C-T.
Other names: c.423C>T, p.Asp141= (NM_001410719.1); c.423C>T (NM_016474.4).
Identifiers: ClinVar variation 2653584 (VCV002653584.26), dbSNP rs139960882, ClinGen allele CA2270042.
Genomic context (GRCh38, chr3:14,661,645, plus strand): 5'-GCGCAAAGAAATGGAGGCATCTGGTGCCCATAGAGATTCTCAAAAGGCAGGAGAAAGGGA[C>T]GACGATGAGGAAAACCTTCCTGAGGGAGAGATCCCTCCTCCCCAAGACCCCAGTGAAGAA-3'
Protein context (NP_057558.3, residues 131-151): HRDSQKAGER[Asp141=]DDEENLPEGE

ClinVar aggregate classification (germline): Likely benign. Review status: criteria provided, multiple submitters, no conflicts (2 of 4 stars). 3 submissions from 3 submitters: Likely benign (3). Last evaluated 2024-10-16.

Allele frequency attached by ClinVar (database versions not stated): gnomAD 0.00007; ExAC 0.00008; ESP Exome Variant Server 0.00008; TOPMed 0.00009.
gnomAD v4.1: 129 of 1,614,022 alleles (0.008%); highest among the groups gnomAD compares: Middle Eastern, 0.15%; no homozygotes.

Submissions (3):

Blueprint Genetics
Classification: Likely benign. Last evaluated: 2024-10-16. Review status: criteria provided, single submitter. Criteria: ACMG Guidelines, 2015. Collection method: clinical testing. Allele origin: germline.

Ambry Genetics
Classification: Likely benign. Last evaluated: 2024-01-24. Review status: criteria provided, single submitter. Criteria: Ambry Variant Classification Scheme 2023. Collection method: clinical testing. Allele origin: germline.

CeGaT Center for Human Genetics Tuebingen
Classification: Likely benign. Last evaluated: 2022-08-01. Review status: criteria provided, single submitter. Criteria: CeGaT Center For Human Genetics Tuebingen Variant Classification Criteria Version 2. Collection method: clinical testing. Allele origin: germline. Affected: yes. Observed: 1 variant allele.
Comment: CCDC174: BP4, BP7